The following is an entry in ClinVar:

ClinVar aggregate classification (germline): Likely pathogenic (1 of 4 stars; one submission).

Conditions:
X-linked Alport syndrome (ATS1). Also called: COL4A5-Related Nephropathy; NEPHROPATHY AND DEAFNESS, X-LINKED. Identifiers: Orphanet 63, Orphanet 88917, MedGen C4746986, MONDO:0010520, OMIM 301050.

Submission:

Neuberg Centre For Genomic Medicine, NCGM
Classification: Likely pathogenic for X-linked Alport syndrome. Last evaluated: 2023-07-22. Review status: criteria provided, single submitter. Criteria: ACMG Guidelines, 2015. Collection method: clinical testing. Allele origin: germline. Inheritance: X-linked dominant inheritance. Affected: yes.
Comment: The observed invariant splice donor c.438+2T>C variant in COL4A5 gene has been reported previously in an individual affected with Alport syndrome Ma et al., 2011. The c.438+2T>C variant is absent in gnomAD Exomes. This variant has not been submitted to the ClinVar database. The SpliceAI predicts a score of 0.83 for this variant. Loss of function variants have been previously reported to be disease causing. However, additional functional studies will be required to prove the pathogenicity of this variant. For these reasons, this variant has been classified as Likely Pathogenic.

NM_033380.3(COL4A5):c.438+2T>C

Gene: COL4A5 (collagen type IV alpha 5 chain; plus strand). Cytogenetic location: Xq22.3.
Variant type: single nucleotide variant.
Coding change: c.438+2T>C on transcript NM_033380.3 (MANE Select); the canonical splice donor site of the intron after coding-DNA position 438, T replaced by C.
Molecular consequence: splice donor variant.
Genome position (GRCh38, 1-based): chrX:108,571,468, T>C. VCF-style: chrX-108571468-T-C. GRCh37 (hg19) VCF-style: chrX-107814698-T-C.
Other names: c.438+2T>C (NM_000495.5).
Identifiers: ClinVar variation 3391289 (VCV003391289.1), dbSNP rs281874738.